The following is an entry in ClinVar:

ClinVar aggregate classification (germline): Pathogenic (1 of 4 stars; one submission).

Conditions:
Dyskeratosis congenita, autosomal dominant 2. Identifiers: MedGen C3151443, MONDO:0013521, OMIM 613989.
Idiopathic Pulmonary Fibrosis. Also called: Idiopathic fibrosing alveolitis, chronic form; idiopathic fibrosing alveolitis. Identifiers: Orphanet 2032, MedGen C1800706, MeSH D054990, MONDO:0800504.

Submission:

Labcorp Genetics (formerly Invitae), Labcorp
Classification: Pathogenic for Dyskeratosis congenita, autosomal dominant 2; Idiopathic Pulmonary Fibrosis. Last evaluated: 2019-05-10. Review status: criteria provided, single submitter. Criteria: Invitae Variant Classification Sherloc (09022015). Collection method: clinical testing. Allele origin: germline.
Comment: This sequence change creates a premature translational stop signal (p.Tyr386Profs*118) in the TERT gene. It is expected to result in an absent or disrupted protein product. This variant is not present in population databases (ExAC no frequency). This variant has not been reported in the literature in individuals with TERT-related conditions. Loss-of-function variants in TERT are known to be pathogenic (PMID: 16247010, 17460043). For these reasons, this variant has been classified as Pathogenic.

Literature cited by the submitters: PubMed 16247010; PubMed 17460043.

NM_198253.3(TERT):c.1156_1171del (p.Tyr386fs)

Gene: TERT (telomerase reverse transcriptase; minus strand). Cytogenetic location: 5p15.33.
Variant type: Deletion.
Coding change: c.1156_1171del on transcript NM_198253.3 (MANE Select); coding-DNA positions 1156 to 1171, 16 bases deleted (TACTGGCAAATGCGGC).
Protein change: p.Tyr386fs; shifts the reading frame from tyrosine 386.
Molecular consequence: frameshift variant. On other transcripts: non-coding transcript variant (2).
Genome position (GRCh38, 1-based): chr5:1,293,715-1,293,730, GCCGCATTTGCCAGTA deleted on the plus strand (TACTGGCAAATGCGGC on the coding strand, the reverse complement: TERT is on the minus strand); deleting any 16 consecutive bases within chr5:1,293,715-1,293,732 gives the same sequence; the c. name uses the placement nearest the transcript's 3' end. VCF-style (leftmost placement, unchanged base first): chr5-1293714-GGCCGCATTTGCCAGTA-G. GRCh37 (hg19) VCF-style: chr5-1293829-GGCCGCATTTGCCAGTA-G.
Other names: c.1156_1171del, p.Tyr386fs (NM_001193376.3); short protein forms Y386fs.
Identifiers: ClinVar variation 850129 (VCV000850129.8), dbSNP rs1751155195, ClinGen allele CA916081464.